The following is an entry in ClinVar:

NM_001029883.3(PCARE):c.1558G>A (p.Asp520Asn)

Gene: PCARE (photoreceptor cilium actin regulator; minus strand). Cytogenetic location: 2p23.2.
Variant type: single nucleotide variant.
Coding change: c.1558G>A on transcript NM_001029883.3 (MANE Select); coding-DNA position 1558, G replaced by A.
Protein change: p.Asp520Asn; replaces aspartic acid 520 with asparagine.
Molecular consequence: missense variant.
Genome position (GRCh38, 1-based): chr2:29,072,704, C>T on the plus strand (G>A on the coding strand, the complement: PCARE is on the minus strand). VCF-style: chr2-29072704-C-T. GRCh37 (hg19) VCF-style: chr2-29295570-C-T.
Other names: short protein forms D520N.
Identifiers: ClinVar variation 1511667 (VCV001511667.6), dbSNP rs1413450450, ClinGen allele CA346479410.

ClinVar aggregate classification (germline): Uncertain significance (1 of 4 stars; one submission).

Allele frequency attached by ClinVar (database versions not stated): gnomAD exomes below 0.00001; TOPMed below 0.00001.
gnomAD v4.1: 1 of 1,614,034 alleles (0.000062%); highest among the groups gnomAD compares: Non-Finnish European, 0.000085%; no homozygotes.

Submission:

Labcorp Genetics (formerly Invitae), Labcorp
Classification: Uncertain significance. Last evaluated: 2021-08-10. Review status: criteria provided, single submitter. Criteria: Invitae Variant Classification Sherloc (09022015). Collection method: clinical testing. Allele origin: germline.
Comment: Algorithms developed to predict the effect of missense changes on protein structure and function (SIFT, PolyPhen-2, Align-GVGD) all suggest that this variant is likely to be tolerated. This variant has not been reported in the literature in individuals affected with PCARE-related conditions. This variant is not present in population databases (ExAC no frequency). This sequence change replaces aspartic acid with asparagine at codon 520 of the PCARE protein (p.Asp520Asn). The aspartic acid residue is moderately conserved and there is a small physicochemical difference between aspartic acid and asparagine. In summary, the available evidence is currently insufficient to determine the role of this variant in disease. Therefore, it has been classified as a Variant of Uncertain Significance.